The following is an entry in ClinVar:

ClinVar aggregate classification (germline): Uncertain significance (1 of 4 stars; one submission).

Conditions:
Hereditary sensory and autonomic neuropathy type 6. Also called: Neuropathy, hereditary sensory and autonomic, type VI; HSAN VI. Identifiers: Orphanet 314381, MedGen C3539003, MONDO:0013839, OMIM 614653.
Epidermolysis bullosa simplex 3, localized or generalized intermediate, with BP230 deficiency (EBS3). Also called: Epidermolysis bullosa simplex, autosomal recessive 2; Epidermolysis bullosa simplex due to BP230 deficiency. Identifiers: Orphanet 412181, MedGen C3809470, MONDO:0014180, OMIM 615425.

Allele frequency attached by ClinVar (database versions not stated): gnomAD exomes below 0.00001; gnomAD 0.00001.
gnomAD v4.1: 2 of 1,614,056 alleles (0.00012%); highest among the groups gnomAD compares: Non-Finnish European, 0.00017%; no homozygotes.

Submission:

Labcorp Genetics (formerly Invitae), Labcorp
Classification: Uncertain significance for Epidermolysis bullosa simplex 3, localized or generalized intermediate, with BP230 deficiency; Hereditary sensory and autonomic neuropathy type 6. Last evaluated: 2019-10-03. Review status: criteria provided, single submitter. Criteria: Invitae Variant Classification Sherloc (09022015). Collection method: clinical testing. Allele origin: germline.
Comment: This sequence change replaces valine with isoleucine at codon 2311 of the DST protein (p.Val2311Ile). The valine residue is weakly conserved and there is a small physicochemical difference between valine and isoleucine. This variant is not present in population databases (ExAC no frequency). This variant has not been reported in the literature in individuals with DST-related conditions. Algorithms developed to predict the effect of missense changes on protein structure and function (SIFT, PolyPhen-2, Align-GVGD) all suggest that this variant is likely to be tolerated, but these predictions have not been confirmed by published functional studies and their clinical significance is uncertain. In summary, the available evidence is currently insufficient to determine the role of this variant in disease. Therefore, it has been classified as a Variant of Uncertain Significance.

NM_001723.7(DST):c.6931G>A (p.Val2311Ile)

Gene: DST (dystonin; minus strand). Cytogenetic location: 6p12.1.
Variant type: single nucleotide variant.
Coding change: c.6931G>A on transcript NM_001723.7 (MANE Plus Clinical); coding-DNA position 6931, G replaced by A.
Protein change: p.Val2311Ile; replaces valine 2311 with isoleucine.
Molecular consequence: missense variant. On other transcripts: intron variant (10).
Genome position (GRCh38, 1-based): chr6:56,616,536, C>T on the plus strand (G>A on the coding strand, the complement: DST is on the minus strand). VCF-style: chr6-56616536-C-T. GRCh37 (hg19) VCF-style: chr6-56481334-C-T.
Other names: c.4831-2052G>A (NM_001144769.5); c.4930-2052G>A (NM_001374722.1, NM_001374736.1); c.4957-2052G>A (NM_001374734.1); c.4417-2052G>A (NM_001144770.2); c.4297-2052G>A (NM_001374730.1, NM_001386100.1, NM_183380.4 and 1 more transcripts); c.3319-2052G>A (NM_015548.5); short protein forms V2311I.
Identifiers: ClinVar variation 967132 (VCV000967132.10), dbSNP rs2098624256, ClinGen allele CA364564094.
Genomic context (GRCh38, chr6:56,616,536, plus strand): 5'-GATTGGAAATGTTCCTCTCCCCAAATGGAAACAGAAAGCATTGGGACTCTACATCAAATA[C>T]ACACATTCGCAGTAATTCTGAGTAATACAGAGCTTGCTTGTTATTGGGATTAGGGAAAAC-3'
Protein context (NP_001714.1, residues 2301-2321): LYYSELLRMC[Val2311Ile]FDVESQCFLF